The following is an entry in ClinVar:

NM_000260.4(MYO7A):c.4108C>T (p.Gln1370Ter)

Gene: MYO7A (myosin VIIA; plus strand). Cytogenetic location: 11q13.5.
Variant type: single nucleotide variant.
Coding change: c.4108C>T on transcript NM_000260.4 (MANE Select); coding-DNA position 4108, C replaced by T.
Protein change: p.Gln1370Ter; replaces glutamine 1370 with a stop codon.
Molecular consequence: nonsense.
Genome position (GRCh38, 1-based): chr11:77,192,234, C>T. VCF-style: chr11-77192234-C-T. GRCh37 (hg19) VCF-style: chr11-76903279-C-T.
Other names: c.4108C>T, p.Gln1370Ter (NM_001127180.2); c.4075C>T, p.Gln1359Ter (NM_001369365.1); short protein forms Q1359*, Q1370*.
Identifiers: ClinVar variation 4818029 (VCV004818029.1).
Genomic context (GRCh38, chr11:77,192,234, plus strand): 5'-GTCTTCACGCCCTGGCACAGCCCCTCCGAGGACAACGTGGCCACCAACCTCATCTACCAG[C>T]AGGTGGTGCGAGGAGTCAAGTTTGGGGAGTACAGGTGTGAGAAGGTGAGTGGGAGGGAAT-3'

ClinVar aggregate classification (germline): Pathogenic (1 of 4 stars; one submission).

Conditions:
Usher syndrome type 1B (USH1B). Also called: Usher syndrome type IB. Identifiers: MedGen C1848638, MONDO:0700087.

Submission:

Natera, Inc.
Classification: Pathogenic for Usher syndrome type 1B. Last evaluated: 2026-01-28. Review status: criteria provided, single submitter. Criteria: Natera Variant Classification Schema (03/2026). Collection method: clinical testing. Allele origin: germline.
Comment: The c.4108C>T variant in MYO7A is a nonsense variant predicted to introduce a stop codon at amino acid 1370. This variant is expected to result in nonsense mediated decay, truncation, or a dysfunctional protein product. This variant is rare in the general population with a frequency below the threshold expected for the associated phenotype(s). This variant has been observed in one or more individuals affected with the associated recessive disease, as either homozygous or compound heterozygous with a second variant (PMID: 33090715). Given the available evidence, this variant is classified as Pathogenic.

Literature cited by the submitters: PubMed 33090715.